The following is an entry in ClinVar:

NM_000466.3(PEX1):c.3632G>A (p.Ser1211Asn)

Genes: GATAD1 (GATA zinc finger domain containing 1; plus strand), PEX1 (peroxisomal biogenesis factor 1; minus strand). Cytogenetic location: 7q21.2.
Variant type: single nucleotide variant.
Coding change: c.3632G>A on transcript NM_000466.3 (MANE Select); coding-DNA position 3632, G replaced by A.
Protein change: p.Ser1211Asn; replaces serine 1211 with asparagine.
Molecular consequence: missense variant.
Genome position (GRCh38, 1-based): chr7:92,489,718, C>T on the plus strand (G>A on the coding strand, the complement: PEX1 is on the minus strand). VCF-style: chr7-92489718-C-T. GRCh37 (hg19) VCF-style: chr7-92119032-C-T.
Other names: c.3461G>A, p.Ser1154Asn (NM_001282677.2); c.3008G>A, p.Ser1003Asn (NM_001282678.2); short protein forms S1003N, S1211N, S1154N.
Identifiers: ClinVar variation 2170566 (VCV002170566.1), dbSNP rs1791172694, ClinGen allele CA368160667.
Genomic context (GRCh38, chr7:92,489,718, plus strand): 5'-GGTGAAACAATTTTTAAGAAGTTTTAACAATTATAATGAGGGGGAAAAAGCCATACTCCA[C>T]TTTGGCTCCGGTATCTGCCTTTGATAATACTGATATCTGCCCTCAGTTGATCTCTTTGTT-3'
Protein context (NP_000457.1, residues 1201-1221): SIIKGRYRSQ[Ser1211Asn]GEDESMNQPG

ClinVar aggregate classification (germline): Uncertain significance (1 of 4 stars; one submission).

Conditions:
Zellweger spectrum disorders (ZS). Also called: Zellweger Spectrum Disorder; Zellweger Spectrum; Zellweger syndrome; Zellweger Spectrum Disorder (ZSD). Identifiers: Orphanet 912, MedGen C0043459, MONDO:0019609.

Allele frequency attached by ClinVar (database versions not stated): gnomAD exomes below 0.00001; gnomAD 0.00001.
gnomAD v4.1: 2 of 1,612,788 alleles (0.00012%); highest among the groups gnomAD compares: African/African-American, 0.0027%; no homozygotes.

Submission:

Labcorp Genetics (formerly Invitae), Labcorp
Classification: Uncertain significance for Zellweger spectrum disorders. Last evaluated: 2022-07-09. Review status: criteria provided, single submitter. Criteria: Invitae Variant Classification Sherloc (09022015). Collection method: clinical testing. Allele origin: germline.
Comment: This sequence change replaces serine, which is neutral and polar, with asparagine, which is neutral and polar, at codon 1211 of the PEX1 protein (p.Ser1211Asn). This variant is not present in population databases (gnomAD no frequency). This variant has not been reported in the literature in individuals affected with PEX1-related conditions. Advanced modeling of protein sequence and biophysical properties (such as structural, functional, and spatial information, amino acid conservation, physicochemical variation, residue mobility, and thermodynamic stability) performed at Invitae indicates that this missense variant is not expected to disrupt PEX1 protein function. In summary, the available evidence is currently insufficient to determine the role of this variant in disease. Therefore, it has been classified as a Variant of Uncertain Significance.